The following is an entry in ClinVar:

ClinVar aggregate classification (germline): Likely benign (1 of 4 stars; one submission).

Submission:

CeGaT Center for Human Genetics Tuebingen
Classification: Likely benign. Last evaluated: 2026-04-01. Review status: criteria provided, single submitter. Criteria: CeGaT Center For Human Genetics Tuebingen Variant Classification Criteria Version 2. Collection method: clinical testing. Allele origin: germline. Affected: yes. Observed: 1 variant allele.
Comment: BAZ1B: PM2:Supporting, BP4, BP7

NM_032408.4(BAZ1B):c.951C>T (p.Pro317=)

Gene: BAZ1B (bromodomain adjacent to zinc finger domain 1B; minus strand). Cytogenetic location: 7q11.23.
Variant type: single nucleotide variant.
Coding change: c.951C>T on transcript NM_032408.4 (MANE Select); coding-DNA position 951, C replaced by T.
Protein change: p.Pro317=; no amino-acid change (proline 317 retained).
Molecular consequence: synonymous variant.
Genome position (GRCh38, 1-based): chr7:73,478,510, G>A on the plus strand (C>T on the coding strand, the complement: BAZ1B is on the minus strand). VCF-style: chr7-73478510-G-A. GRCh37 (hg19) VCF-style: chr7-72892840-G-A.
Other names: c.951C>T, p.Pro317= (NM_001370402.1).
Identifiers: ClinVar variation 4874605 (VCV004874605.2).